The following is an entry in ClinVar:

ClinVar aggregate classification (germline): Uncertain significance. Review status: criteria provided, multiple submitters, no conflicts (2 of 4 stars). 3 submissions from 3 submitters: Uncertain significance (3). Last evaluated 2026-08-11.

Submissions (3):

Ambry Genetics
Classification: Uncertain significance. Last evaluated: 2026-08-11. Review status: criteria provided, single submitter. Criteria: Ambry Variant Classification Scheme 2023. Collection method: clinical testing. Allele origin: germline.
Comment: The p.H472L variant (also known as c.1415A>T), located in coding exon 8 of the RNF43 gene, results from an A to T substitution at nucleotide position 1415. The histidine at codon 472 is replaced by leucine, an amino acid with similar properties. This amino acid position is conserved. In addition, this alteration is predicted to be tolerated by in silico analysis. Based on the available evidence, the clinical significance of this variant remains unclear.

GeneDx
Classification: Uncertain significance. Last evaluated: 2023-04-04. Review status: criteria provided, single submitter. Criteria: GeneDx Variant Classification Process June 2021. Collection method: clinical testing. Allele origin: germline. Affected: yes.
Comment: Not observed at significant frequency in large population cohorts (gnomAD); In silico analysis supports that this missense variant has a deleterious effect on protein structure/function; Has not been previously published as pathogenic or benign to our knowledge; Variants in candidate genes are classified as variants of uncertain significance in accordance with ACMG guidelines (Richards et al., 2015)

Labcorp Genetics (formerly Invitae), Labcorp
Classification: Uncertain significance. Last evaluated: 2022-04-28. Review status: criteria provided, single submitter. Criteria: Invitae Variant Classification Sherloc (09022015). Collection method: clinical testing. Allele origin: germline.
Comment: In summary, the available evidence is currently insufficient to determine the role of this variant in disease. Therefore, it has been classified as a Variant of Uncertain Significance. Algorithms developed to predict the effect of missense changes on protein structure and function are either unavailable or do not agree on the potential impact of this missense change (SIFT: "Deleterious"; PolyPhen-2: "Probably Damaging"; Align-GVGD: "Class C0"). This variant has not been reported in the literature in individuals affected with RNF43-related conditions. This variant is not present in population databases (gnomAD no frequency). This sequence change replaces histidine, which is basic and polar, with leucine, which is neutral and non-polar, at codon 472 of the RNF43 protein (p.His472Leu).

NM_017763.6(RNF43):c.1415A>T (p.His472Leu)

Gene: RNF43 (ring finger protein 43; minus strand). Cytogenetic location: 17q22.
Variant type: single nucleotide variant.
Coding change: c.1415A>T on transcript NM_017763.6 (MANE Select); coding-DNA position 1415, A replaced by T.
Protein change: p.His472Leu; replaces histidine 472 with leucine.
Molecular consequence: missense variant.
Genome position (GRCh38, 1-based): chr17:58,358,361, T>A on the plus strand (A>T on the coding strand, the complement: RNF43 is on the minus strand). VCF-style: chr17-58358361-T-A. GRCh37 (hg19) VCF-style: chr17-56435722-T-A.
Other names: c.1415A>T, p.His472Leu (NM_001305544.3); c.1034A>T, p.His345Leu (NM_001305545.2); short protein forms H345L, H472L.
Identifiers: ClinVar variation 1973642 (VCV001973642.7), dbSNP rs2143413018, ClinGen allele CA400329941.